The following is an entry in ClinVar:

ClinVar aggregate classification (germline): Pathogenic (1 of 4 stars; one submission).

Conditions:
Cohen syndrome (COH1). Also called: Cutis verticis gyrata, retinitis pigmentosa, and sensorineural deafness; PEPPER SYNDROME. Identifiers: Orphanet 193, MedGen C0265223, MONDO:0008999, OMIM 216550.

Submission:

Labcorp Genetics (formerly Invitae), Labcorp
Classification: Pathogenic for Cohen syndrome. Last evaluated: 2022-09-28. Review status: criteria provided, single submitter. Criteria: Invitae Variant Classification Sherloc (09022015). Collection method: clinical testing. Allele origin: germline.
Comment: This variant results in a copy number gain of the genomic region encompassing exon(s) 4-13 of the VPS13B gene. While the exact position of this variant cannot be determined from the data, sub-genic copy number gains are generally in tandem (PMID: 25640679). This variant is predicted to be out-of-frame, and may result in an absent or disrupted protein product. Loss-of-function variants in VPS13B are known to be pathogenic (PMID: 15141358, 16648375, 20461111). A similar copy number variant has been observed in individual(s) with Cohen syndrome (PMID: 20461111). For these reasons, this variant has been classified as Pathogenic.

Literature cited by the submitters: PubMed 25640679; PubMed 15141358; PubMed 16648375; PubMed 20461111.

NC_000008.10:g.(?_100108530)_(100155403_?)dup

Gene: VPS13B (vacuolar protein sorting 13 homolog B; plus strand). Cytogenetic location: 8q22.2.
Variant type: Duplication.
Identifiers: ClinVar variation 2426410 (VCV002426410.3).